The following is an entry in ClinVar:

ClinVar aggregate classification (germline): Uncertain significance (1 of 4 stars; one submission).

Conditions:
Spinocerebellar ataxia type 42. Identifiers: Orphanet 458803, MedGen C4225205, MONDO:0014776, OMIM 616795.

Submission:

OLLIN Analises Genomicas, OLLIN
Classification: Uncertain significance for Spinocerebellar ataxia type 42. Last evaluated: 2026-08-06. Review status: criteria provided, single submitter. Criteria: ACMG Guidelines 2015 PMID 25741868. Collection method: clinical testing. Allele origin: germline. Inheritance: Autosomal dominant inheritance.
Comment: This missense variant, located in exon 18 (of 38), has been observed in gnomAD with an allele frequency of 0.00012%, but has not been reported in ClinVar or identified in the literature. In silico analysis predicts that this variant has a deleterious effect. This gene is constrained for missense variation. According to the currently available evidence, this variant has been classified as uncertain significance (PP2, PP3_M).

NM_018896.5(CACNA1G):c.3763T>G (p.Ser1255Ala)

Gene: CACNA1G (calcium voltage-gated channel subunit alpha1 G; plus strand). Cytogenetic location: 17q21.33.
Variant type: single nucleotide variant.
Coding change: c.3763T>G on transcript NM_018896.5 (MANE Select); coding-DNA position 3763, T replaced by G.
Protein change: p.Ser1255Ala; replaces serine 1255 with alanine.
Molecular consequence: missense variant. On other transcripts: non-coding transcript variant (5).
Genome position (GRCh38, 1-based): chr17:50,600,798, T>G. VCF-style: chr17-50600798-T-G. GRCh37 (hg19) VCF-style: chr17-48678159-T-G.
Other names: c.3763T>G, p.Ser1255Ala (NM_001256324.2, NM_001256325.2, NM_001256326.2 and 16 more transcripts); c.3694T>G, p.Ser1232Ala (NM_001256332.2, NM_198376.3, NM_198379.3 and 5 more transcripts); short protein forms S1255A, S1232A.
Identifiers: ClinVar variation 5002803 (VCV005002803.1).